The following is an entry in ClinVar:

NM_001458.5(FLNC):c.3601G>C (p.Glu1201Gln)

Gene: FLNC (filamin C; plus strand). Cytogenetic location: 7q32.1.
Variant type: single nucleotide variant.
Coding change: c.3601G>C on transcript NM_001458.5 (MANE Select); coding-DNA position 3601, G replaced by C.
Protein change: p.Glu1201Gln; replaces glutamic acid 1201 with glutamine.
Molecular consequence: missense variant.
Genome position (GRCh38, 1-based): chr7:128,845,066, G>C. VCF-style: chr7-128845066-G-C. GRCh37 (hg19) VCF-style: chr7-128485120-G-C.
Other names: c.3601G>C, p.Glu1201Gln (NM_001127487.2); short protein forms E1201Q.
Identifiers: ClinVar variation 1008823 (VCV001008823.9), dbSNP rs751963297, ClinGen allele CA369197320.

ClinVar aggregate classification (germline): Uncertain significance (1 of 4 stars; one submission).

Conditions:
Myofibrillar myopathy 5. Also called: FILAMINOPATHY, AUTOSOMAL DOMINANT; Filaminopathy (type). Identifiers: Orphanet 171445, MedGen C1836050, MONDO:0012289, OMIM 609524.
Hypertrophic cardiomyopathy 26. Also called: Cardiomyopathy, familial hypertrophic, 26. Identifiers: Orphanet 75249, MedGen C4310749, MONDO:0014883, OMIM 617047.
Distal myopathy with posterior leg and anterior hand involvement. Also called: WILLIAMS DISTAL MYOPATHY. Identifiers: Orphanet 63273, MedGen C3279722, MONDO:0013550, OMIM 614065.

Submission:

Labcorp Genetics (formerly Invitae), Labcorp
Classification: Uncertain significance for Distal myopathy with posterior leg and anterior hand involvement; Myofibrillar myopathy 5; Hypertrophic cardiomyopathy 26. Last evaluated: 2025-04-26. Review status: criteria provided, single submitter. Criteria: Invitae Variant Classification Sherloc (09022015). Collection method: clinical testing. Allele origin: germline.
Comment: This sequence change replaces glutamic acid, which is acidic and polar, with glutamine, which is neutral and polar, at codon 1201 of the FLNC protein (p.Glu1201Gln). This variant is not present in population databases (gnomAD no frequency). This variant has not been reported in the literature in individuals affected with FLNC-related conditions. ClinVar contains an entry for this variant (Variation ID: 1008823). Invitae Evidence Modeling of protein sequence and biophysical properties (such as structural, functional, and spatial information, amino acid conservation, physicochemical variation, residue mobility, and thermodynamic stability) has been performed for this missense variant. However, the output from this modeling did not meet the statistical confidence thresholds required to predict the impact of this variant on FLNC protein function. In summary, the available evidence is currently insufficient to determine the role of this variant in disease. Therefore, it has been classified as a Variant of Uncertain Significance.